The following is an entry in ClinVar:

NM_024422.6(DSC2):c.2233C>T (p.Pro745Ser)

Gene: DSC2 (desmocollin 2; minus strand). Cytogenetic location: 18q12.1.
Variant type: single nucleotide variant.
Coding change: c.2233C>T on transcript NM_024422.6 (MANE Select); coding-DNA position 2233, C replaced by T.
Protein change: p.Pro745Ser; replaces proline 745 with serine.
Molecular consequence: missense variant.
Genome position (GRCh38, 1-based): chr18:31,070,743, G>A on the plus strand (C>T on the coding strand, the complement: DSC2 is on the minus strand). VCF-style: chr18-31070743-G-A. GRCh37 (hg19) VCF-style: chr18-28650709-G-A.
Other names: c.1804C>T, p.Pro602Ser (NM_001406506.1, NM_001406507.1); c.2233C>T, p.Pro745Ser (NM_004949.5); short protein forms P602S, P745S.
Identifiers: ClinVar variation 3227842 (VCV003227842.1), dbSNP rs1986795612, ClinGen allele CA402112334.
Genomic context (GRCh38, chr18:31,070,743, plus strand): 5'-CGAATTCATCCTTTGTATTTATTTAAAAAGCCAGACTACTTACCACTTTGTCATCTCCAG[G>A]AGCTTCTGTGTTTGATACAATTAGGTTCTGCTGGGCTAAATCATCAGGAATTACTTTTGG-3'
Protein context (NP_077740.1, residues 735-755): QNLIVSNTEA[Pro745Ser]GDDKVYSANG

ClinVar aggregate classification (germline): Uncertain significance (1 of 4 stars; one submission).

Conditions:
Cardiovascular phenotype. Identifiers: MedGen CN230736.

Allele frequency attached by ClinVar (database versions not stated): gnomAD exomes below 0.00001; TOPMed below 0.00001.
gnomAD v4.1: 1 of 1,613,808 alleles (0.000062%); highest among the groups gnomAD compares: African/African-American, 0.0013%; no homozygotes.

Submission:

Ambry Genetics
Classification: Uncertain significance for Cardiovascular phenotype. Last evaluated: 2023-12-10. Review status: criteria provided, single submitter. Criteria: Ambry Variant Classification Scheme 2023. Collection method: clinical testing. Allele origin: germline.
Comment: The p.P745S variant (also known as c.2233C>T), located in coding exon 14 of the DSC2 gene, results from a C to T substitution at nucleotide position 2233. The proline at codon 745 is replaced by serine, an amino acid with similar properties. This amino acid position is conserved. In addition, the in silico prediction for this alteration is inconclusive. Since supporting evidence is limited at this time, the clinical significance of this alteration remains unclear.